The following is an entry in ClinVar:

NM_000080.4(CHRNE):c.1096G>C (p.Ala366Pro)

Genes: CHRNE (cholinergic receptor nicotinic epsilon subunit; minus strand), LOC130060041 (ATAC-STARR-seq lymphoblastoid silent region 8050; plus strand). Cytogenetic location: 17p13.2.
Variant type: single nucleotide variant.
Coding change: c.1096G>C on transcript NM_000080.4 (MANE Select); coding-DNA position 1096, G replaced by C.
Protein change: p.Ala366Pro; replaces alanine 366 with proline.
Molecular consequence: missense variant.
Genome position (GRCh38, 1-based): chr17:4,899,321, C>G on the plus strand (G>C on the coding strand, the complement: CHRNE is on the minus strand). VCF-style: chr17-4899321-C-G. GRCh37 (hg19) VCF-style: chr17-4802616-C-G.
Other names: short protein forms A366P.
Identifiers: ClinVar variation 2141083 (VCV002141083.3), dbSNP rs1467371203, ClinGen allele CA397300570.

ClinVar aggregate classification (germline): Uncertain significance. Review status: criteria provided, multiple submitters, no conflicts (2 of 4 stars). 2 submissions from 2 submitters: Uncertain significance (2). Last evaluated 2025-02-20.

Conditions:
Congenital myasthenic syndrome 4A. Also called: Myasthenic syndrome, congenital, 4a, slow-channel; CONGENITAL MYASTHENIC SYNDROME TYPE Ia1; MYASTHENIC SYNDROME, CONGENITAL, 4A, SLOW-CHANNEL, AUTOSOMAL RECESSIVE. Identifiers: Orphanet 590, MedGen C4225413, MONDO:0011600, OMIM 605809.

Allele frequency attached by ClinVar (database versions not stated): gnomAD 0.00001; TOPMed 0.00001.
gnomAD v4.1: 14 of 1,567,714 alleles (0.00089%); highest among the groups gnomAD compares: East Asian, 0.014%; no homozygotes.

Submissions (2):

Revvity Omics, Revvity
Classification: Uncertain significance. Last evaluated: 2025-02-20. Review status: criteria provided, single submitter. Criteria: ACMG Guidelines, 2015. Collection method: clinical testing. Allele origin: germline.

Labcorp Genetics (formerly Invitae), Labcorp
Classification: Uncertain significance for Congenital myasthenic syndrome 4A. Last evaluated: 2024-11-22. Review status: criteria provided, single submitter. Criteria: Invitae Variant Classification Sherloc (09022015). Collection method: clinical testing. Allele origin: germline.
Comment: This sequence change replaces alanine, which is neutral and non-polar, with proline, which is neutral and non-polar, at codon 366 of the CHRNE protein (p.Ala366Pro). This variant is present in population databases (no rsID available, gnomAD 0.02%). This variant has not been reported in the literature in individuals affected with CHRNE-related conditions. ClinVar contains an entry for this variant (Variation ID: 2141083). Invitae Evidence Modeling of protein sequence and biophysical properties (such as structural, functional, and spatial information, amino acid conservation, physicochemical variation, residue mobility, and thermodynamic stability) indicates that this missense variant is not expected to disrupt CHRNE protein function with a negative predictive value of 95%. In summary, the available evidence is currently insufficient to determine the role of this variant in disease. Therefore, it has been classified as a Variant of Uncertain Significance.